The following is an entry in ClinVar:

NM_001128840.3(CACNA1D):c.5312G>A (p.Arg1771Gln)

Gene: CACNA1D (calcium voltage-gated channel subunit alpha1 D; plus strand). Cytogenetic location: 3p21.1.
Variant type: single nucleotide variant.
Coding change: c.5312G>A on transcript NM_001128840.3 (MANE Select); coding-DNA position 5312, G replaced by A.
Protein change: p.Arg1771Gln; replaces arginine 1771 with glutamine.
Molecular consequence: missense variant.
Genome position (GRCh38, 1-based): chr3:53,801,329, G>A. VCF-style: chr3-53801329-G-A. GRCh37 (hg19) VCF-style: chr3-53835356-G-A.
Other names: c.5372G>A, p.Arg1791Gln (NM_000720.4); c.5267G>A, p.Arg1756Gln (NM_001128839.3); short protein forms R1756Q, R1791Q, R1771Q.
Identifiers: ClinVar variation 2879617 (VCV002879617.3), dbSNP rs776723045, ClinGen allele CA2455100.

ClinVar aggregate classification (germline): Uncertain significance (1 of 4 stars; one submission).

Allele frequency attached by ClinVar (database versions not stated): ExAC 0.00001; gnomAD exomes 0.00001; TOPMed 0.00001.
gnomAD v4.1: 8 of 1,614,102 alleles (0.0005%); highest among the groups gnomAD compares: East Asian, 0.0022%; no homozygotes.

Submission:

Labcorp Genetics (formerly Invitae), Labcorp
Classification: Uncertain significance. Last evaluated: 2023-03-29. Review status: criteria provided, single submitter. Criteria: Invitae Variant Classification Sherloc (09022015). Collection method: clinical testing. Allele origin: germline.
Comment: This sequence change replaces arginine, which is basic and polar, with glutamine, which is neutral and polar, at codon 1791 of the CACNA1D protein (p.Arg1791Gln). This variant is present in population databases (rs776723045, gnomAD 0.006%). This variant has not been reported in the literature in individuals affected with CACNA1D-related conditions. Algorithms developed to predict the effect of missense changes on protein structure and function output the following: SIFT: "Not Available"; PolyPhen-2: "Benign"; Align-GVGD: "Not Available". The glutamine amino acid residue is found in multiple mammalian species, which suggests that this missense change does not adversely affect protein function. In summary, the available evidence is currently insufficient to determine the role of this variant in disease. Therefore, it has been classified as a Variant of Uncertain Significance.